The following is an entry in ClinVar:

ClinVar aggregate classification (germline): Pathogenic/Likely pathogenic. Review status: criteria provided, multiple submitters, no conflicts (2 of 4 stars). 4 submissions from 4 submitters: Pathogenic (1); Likely pathogenic (1). 2 of the submissions do not count toward it. Last evaluated 2025-05-23.

Conditions:
Glycine encephalopathy 1 (GCE1). Identifiers: MedGen CN376801, MONDO:0958179, OMIM 605899.
Glycine encephalopathy. Also called: Nonketotic hyperglycinemia; Non-ketotic hyperglycinemia. Identifiers: Orphanet 407, MedGen C0751748, MONDO:0011612, HP:0008288.

Submissions (4):

Myriad Genetics, Inc.
Classification: Likely pathogenic for Glycine encephalopathy 1. Last evaluated: 2025-05-23. Review status: criteria provided, single submitter. Criteria: Myriad Autosomal Dominant, Autosomal Recessive and X-Linked Classification Criteria (2023). Collection method: clinical testing. Allele origin: unknown.
Comment: NM_000170.2(GLDC):c.2267_2269delTCT(F756del) is an in-frame deletion classified as likely pathogenic in the context of glycine encephalopathy, GLDC-related. F756del has been observed in cases with relevant disease (PMID: 1996985, 27362913). Relevant functional assessments of this variant are available in the literature (PMID: 1996985, 17510459). F756del has been observed in referenced population frequency databases. In summary, NM_000170.2(GLDC):c.2267_2269delTCT(F756del) is an in-frame deletion that has functional support for pathogenicity and has been observed more frequently in cases with the relevant disease than in healthy populations. Please note: this variant was assessed in the context of healthy population screening.

Natera, Inc.
Classification: Pathogenic for Non-ketotic hyperglycinemia. Last evaluated: 2025-01-22. Review status: criteria provided, single submitter. Criteria: Natera Variant Classification Schema (03/2026). Collection method: clinical testing. Allele origin: germline.
Comment: The c.2267_2269del variant in GLDC is an in-frame deletion predicted to remove phenylalanine at amino acid 756 while preserving the reading frame. This variant is rare in the general population with a frequency below the threshold expected for the associated phenotype(s). This variant has been observed in one or more individuals affected with the associated recessive disease, as either homozygous or compound heterozygous with a second variant (PMID: 17361008). Functional studies show that this variant may disrupt protein function (PMID: 17510459). This variant results in a change to the protein length while preserving reading frame, which may disrupt normal protein structure or function. Computational prediction algorithms indicate this variant is likely to affect gene or protein function. Given the available evidence, this variant is classified as Pathogenic.

OMIM
Classification: Pathogenic for GLYCINE ENCEPHALOPATHY 1. Last evaluated: 1992-07-01. Review status: no assertion criteria provided. Collection method: literature only. Allele origin: germline. Not counted in ClinVar's aggregate classification.

Juha Muilu Group; Institute for Molecular Medicine Finland (FIMM)
Classification: Likely pathogenic for Non-ketotic hyperglycinemia. Review status: no assertion criteria provided. Collection method: not provided. Allele origin: unknown. Not counted in ClinVar's aggregate classification.
Comment: FinDis database variant: This variant was not found or characterized by our laboratory, data were collected from public sources: see reference
ClinVar note: Converted during submission from probable-pathogenic to Likely pathogenic.

Literature cited by the submitters: PubMed 17510459 (cited by Myriad Genetics, Inc. and Natera, Inc.); PubMed 1996985 (cited by Myriad Genetics, Inc.); PubMed 27362913 (cited by Myriad Genetics, Inc.); PubMed 17361008 (cited by Natera, Inc.); PubMed 1634607 (cited by OMIM).

NM_000170.3(GLDC):c.2267_2269del (p.Phe756del)

Gene: GLDC (glycine decarboxylase; minus strand). Cytogenetic location: 9p24.1.
Variant type: Deletion.
Coding change: c.2267_2269del on transcript NM_000170.3 (MANE Select); coding-DNA positions 2267 to 2269, 3 bases deleted (TCT; older notation c.2267_2269delTCT).
Protein change: p.Phe756del; deletes phenylalanine 756.
Molecular consequence: inframe deletion.
Genome position (GRCh38, 1-based): chr9:6,554,715-6,554,717, AGA deleted on the plus strand (TCT on the coding strand, the reverse complement: GLDC is on the minus strand); deleting any 3 consecutive bases within chr9:6,554,715-6,554,719 gives the same sequence; the c. name uses the placement nearest the transcript's 3' end. VCF-style (leftmost placement, unchanged base first): chr9-6554714-CAGA-C. GRCh37 (hg19) VCF-style: chr9-6554714-CAGA-C.
Other names: c.2267_2269del (NM_000170.2); c.2267_2269delTCT (NM_000170.2); short protein forms F756del.
Identifiers: ClinVar variation 56067 (VCV000056067.6), dbSNP rs121964975, ClinGen allele CA263350.